The following is an entry in ClinVar:

ClinVar aggregate classification (germline): Pathogenic (1 of 4 stars; one submission).

Submission:

Labcorp Genetics (formerly Invitae), Labcorp
Classification: Pathogenic. Last evaluated: 2022-05-12. Review status: criteria provided, single submitter. Criteria: Invitae Variant Classification Sherloc (09022015). Collection method: clinical testing. Allele origin: germline.
Comment: This sequence change creates a premature translational stop signal (p.Asp725Glufs*64) in the POLE gene. It is expected to result in an absent or disrupted protein product. Loss-of-function variants in POLE are known to be pathogenic (PMID: 23230001, 25948378, 30503519). For these reasons, this variant has been classified as Pathogenic. Algorithms developed to predict the effect of sequence changes on RNA splicing suggest that this variant may create or strengthen a splice site. This variant has not been reported in the literature in individuals affected with POLE-related conditions. This variant is not present in population databases (gnomAD no frequency).

Literature cited by the submitters: PubMed 23230001; PubMed 25948378; PubMed 30503519.

NM_006231.4(POLE):c.2175_2179del (p.Asp725fs)

Gene: POLE (DNA polymerase epsilon, catalytic subunit; minus strand). Cytogenetic location: 12q24.33.
Variant type: Deletion.
Coding change: c.2175_2179del on transcript NM_006231.4 (MANE Select); coding-DNA positions 2175 to 2179, 5 bases deleted (TTACT; older notation c.2175_2179delTTACT).
Protein change: p.Asp725fs; shifts the reading frame from aspartic acid 725.
Molecular consequence: frameshift variant.
Genome position (GRCh38, 1-based): chr12:132,667,643-132,667,647, AGTAA deleted on the plus strand (TTACT on the coding strand, the reverse complement: POLE is on the minus strand). VCF-style (leftmost placement, unchanged base first): chr12-132667642-CAGTAA-C. GRCh37 (hg19) VCF-style: chr12-133244228-CAGTAA-C.
Other names: short protein forms D725fs.
Identifiers: ClinVar variation 1388071 (VCV001388071.8), dbSNP rs2135971223, ClinGen allele CA2573148123.
Genomic context (GRCh38, chr12:132,667,642, plus strand): 5'-CAGATGGTGGTGAGACGCTCTTCCACCTTGGTGATGTGGATCTTCTTGTAGGCTTTCCGG[CAGTAA>C]TCTAAGCACGACGGAGATGGGCAGAGCAGGTGGGTGAGATCTCCCAGAGCAGAGGGAGCC-3'